The following is an entry in ClinVar:

ClinVar aggregate classification (germline): Uncertain significance. Review status: criteria provided, multiple submitters, no conflicts (2 of 4 stars). 2 submissions from 2 submitters: Uncertain significance (2). Last evaluated 2025-03-31.

Conditions:
Rubinstein-Taybi syndrome (RSTS). Identifiers: Orphanet 783, MedGen C0035934, MONDO:0019188.
Inborn genetic diseases. Identifiers: MedGen C0950123, MeSH D030342.

Allele frequency attached by ClinVar (database versions not stated): TOPMed below 0.00001.
gnomAD v4.1: 1 of 1,594,194 alleles (0.000063%); no homozygotes.

Submissions (2):

Ambry Genetics
Classification: Uncertain significance for Inborn genetic diseases. Last evaluated: 2025-03-31. Review status: criteria provided, single submitter. Criteria: Ambry Variant Classification Scheme 2023. Collection method: clinical testing. Allele origin: germline.

Labcorp Genetics (formerly Invitae), Labcorp
Classification: Uncertain significance for Rubinstein-Taybi syndrome. Last evaluated: 2023-09-27. Review status: criteria provided, single submitter. Criteria: Invitae Variant Classification Sherloc (09022015). Collection method: clinical testing. Allele origin: germline.
Comment: This sequence change replaces proline, which is neutral and non-polar, with leucine, which is neutral and non-polar, at codon 2017 of the CREBBP protein (p.Pro2017Leu). In summary, the available evidence is currently insufficient to determine the role of this variant in disease. Therefore, it has been classified as a Variant of Uncertain Significance. Advanced modeling of protein sequence and biophysical properties (such as structural, functional, and spatial information, amino acid conservation, physicochemical variation, residue mobility, and thermodynamic stability) performed at Invitae indicates that this missense variant is not expected to disrupt CREBBP protein function. This variant has not been reported in the literature in individuals affected with CREBBP-related conditions. This variant is not present in population databases (gnomAD no frequency).

NM_004380.3(CREBBP):c.6050C>T (p.Pro2017Leu)

Gene: CREBBP (CREB binding lysine acetyltransferase; minus strand). Cytogenetic location: 16p13.3.
Variant type: single nucleotide variant.
Coding change: c.6050C>T on transcript NM_004380.3 (MANE Select); coding-DNA position 6050, C replaced by T.
Protein change: p.Pro2017Leu; replaces proline 2017 with leucine.
Molecular consequence: missense variant.
Genome position (GRCh38, 1-based): chr16:3,728,997, G>A on the plus strand (C>T on the coding strand, the complement: CREBBP is on the minus strand). VCF-style: chr16-3728997-G-A. GRCh37 (hg19) VCF-style: chr16-3778998-G-A.
Other names: c.6050C>T (NM_004380.2); c.5936C>T, p.Pro1979Leu (NM_001079846.1); short protein forms P2017L, P1979L.
Identifiers: ClinVar variation 2763914 (VCV002763914.4), dbSNP rs368367342, ClinGen allele CA276971797.